The following is an entry in ClinVar:

NM_014727.3(KMT2B):c.1960C>G (p.Pro654Ala)

Gene: KMT2B (lysine methyltransferase 2B; plus strand). Cytogenetic location: 19q13.12.
Variant type: single nucleotide variant.
Coding change: c.1960C>G on transcript NM_014727.3 (MANE Select); coding-DNA position 1960, C replaced by G.
Protein change: p.Pro654Ala; replaces proline 654 with alanine.
Molecular consequence: missense variant.
Genome position (GRCh38, 1-based): chr19:35,721,307, C>G. VCF-style: chr19-35721307-C-G. GRCh37 (hg19) VCF-style: chr19-36212209-C-G.
Other names: short protein forms P654A.
Identifiers: ClinVar variation 2499297 (VCV002499297.2), dbSNP rs2513317578, ClinGen allele CA405394890.

ClinVar aggregate classification (germline): Uncertain significance (1 of 4 stars; one submission).

Allele frequency attached by ClinVar (database versions not stated): gnomAD exomes below 0.00001.
gnomAD v4.1: 1 of 1,549,272 alleles (0.000065%); highest among the groups gnomAD compares: Non-Finnish European, 0.000087%; no homozygotes.

Submission:

GeneDx
Classification: Uncertain significance. Last evaluated: 2025-07-30. Review status: criteria provided, single submitter. Criteria: GeneDx Variant Classification Process June 2021. Collection method: clinical testing. Allele origin: germline.
Comment: Not observed at significant frequency in large population cohorts (gnomAD); In silico analysis supports that this missense variant has a deleterious effect on protein structure/function; Has not been previously published as pathogenic or benign to our knowledge